The following is an entry in ClinVar:

NM_000286.3(PEX12):c.514G>A (p.Gly172Arg)

Gene: PEX12 (peroxisomal biogenesis factor 12; minus strand). Cytogenetic location: 17q12.
Variant type: single nucleotide variant.
Coding change: c.514G>A on transcript NM_000286.3 (MANE Select); coding-DNA position 514, G replaced by A.
Protein change: p.Gly172Arg; replaces glycine 172 with arginine.
Molecular consequence: missense variant.
Genome position (GRCh38, 1-based): chr17:35,577,204, C>T on the plus strand (G>A on the coding strand, the complement: PEX12 is on the minus strand). VCF-style: chr17-35577204-C-T. GRCh37 (hg19) VCF-style: chr17-33904223-C-T.
Other names: short protein forms G172R.
Identifiers: ClinVar variation 1415171 (VCV001415171.4), dbSNP rs202025715, ClinGen allele CA399137964.
Genomic context (GRCh38, chr17:35,577,204, plus strand): 5'-GTGGTGAGTGATGCTGAGCTTTTCCTAGGATGTATCGAAGTTGTTGTACAAGAAACCATC[C>T]TTCCCAGGCCATGTTCACAAATGGGTAGGCTGCCAGGAAAGCTCTGTAAAATCGTTTCCA-3'
Protein context (NP_000277.1, residues 162-182): AYPFVNMAWE[Gly172Arg]WFLVQQLRYI

ClinVar aggregate classification (germline): Uncertain significance (1 of 4 stars; one submission).

Conditions:
Peroxisome biogenesis disorder 3A (Zellweger). Also called: PEROXISOMAL BIOGENESIS DISORDER 3A (ZELLWEGER); Peroxisome biogenesis disorder 3A. Identifiers: Orphanet 912, MedGen C3553929, MONDO:0013927, OMIM 614859.

Submission:

Labcorp Genetics (formerly Invitae), Labcorp
Classification: Uncertain significance for Peroxisome biogenesis disorder 3A (Zellweger). Last evaluated: 2025-08-29. Review status: criteria provided, single submitter. Criteria: Invitae Variant Classification Sherloc (09022015). Collection method: clinical testing. Allele origin: germline.
Comment: This sequence change replaces glycine, which is neutral and non-polar, with arginine, which is basic and polar, at codon 172 of the PEX12 protein (p.Gly172Arg). This variant is not present in population databases (gnomAD no frequency). This variant has not been reported in the literature in individuals affected with PEX12-related conditions. ClinVar contains an entry for this variant (Variation ID: 1415171). Invitae Evidence Modeling of protein sequence and biophysical properties (such as structural, functional, and spatial information, amino acid conservation, physicochemical variation, residue mobility, and thermodynamic stability) indicates that this missense variant is expected to disrupt PEX12 protein function with a positive predictive value of 80%. In summary, the available evidence is currently insufficient to determine the role of this variant in disease. Therefore, it has been classified as a Variant of Uncertain Significance.